The following is an entry in ClinVar:

ClinVar aggregate classification (germline): Uncertain significance. Review status: criteria provided, multiple submitters, no conflicts (2 of 4 stars). 2 submissions from 2 submitters: Uncertain significance (2). Last evaluated 2024-11-22.

Conditions:
Inborn genetic diseases. Identifiers: MedGen C0950123, MeSH D030342.

Allele frequency attached by ClinVar (database versions not stated): gnomAD exomes below 0.00001.
gnomAD v4.1: 2 of 1,538,998 alleles (0.00013%); highest among the groups gnomAD compares: Non-Finnish European, 0.000089%; no homozygotes.

Submissions (2):

Ambry Genetics
Classification: Uncertain significance for Inborn genetic diseases. Last evaluated: 2024-11-22. Review status: criteria provided, single submitter. Criteria: Ambry Variant Classification Scheme 2023. Collection method: clinical testing. Allele origin: germline.
Comment: The p.I1397V variant (also known as c.4189A>G), located in coding exon 29 of the ANKRD26 gene, results from an A to G substitution at nucleotide position 4189. The isoleucine at codon 1397 is replaced by valine, an amino acid with highly similar properties. This amino acid position is conserved. In addition, this alteration is predicted to be tolerated by in silico analysis. Based on the available evidence, the clinical significance of this variant remains unclear.

Labcorp Genetics (formerly Invitae), Labcorp
Classification: Uncertain significance. Last evaluated: 2024-03-01. Review status: criteria provided, single submitter. Criteria: Invitae Variant Classification Sherloc (09022015). Collection method: clinical testing. Allele origin: germline.
Comment: This sequence change replaces isoleucine, which is neutral and non-polar, with valine, which is neutral and non-polar, at codon 1397 of the ANKRD26 protein (p.Ile1397Val). This variant is not present in population databases (gnomAD no frequency). This variant has not been reported in the literature in individuals affected with ANKRD26-related conditions. Algorithms developed to predict the effect of missense changes on protein structure and function output the following: SIFT: "Not Available"; PolyPhen-2: "Benign"; Align-GVGD: "Not Available". The valine amino acid residue is found in multiple mammalian species, which suggests that this missense change does not adversely affect protein function. In summary, the available evidence is currently insufficient to determine the role of this variant in disease. Therefore, it has been classified as a Variant of Uncertain Significance.

NM_014915.3(ANKRD26):c.4189A>G (p.Ile1397Val)

Gene: ANKRD26 (ankyrin repeat domain 26; minus strand). Cytogenetic location: 10p12.1.
Variant type: single nucleotide variant.
Coding change: c.4189A>G on transcript NM_014915.3 (MANE Select); coding-DNA position 4189, A replaced by G.
Protein change: p.Ile1397Val; replaces isoleucine 1397 with valine.
Molecular consequence: missense variant.
Genome position (GRCh38, 1-based): chr10:27,022,584, T>C on the plus strand (A>G on the coding strand, the complement: ANKRD26 is on the minus strand). VCF-style: chr10-27022584-T-C. GRCh37 (hg19) VCF-style: chr10-27311513-T-C.
Other names: c.4186A>G, p.Ile1396Val (NM_001256053.2); short protein forms I1396V, I1397V.
Identifiers: ClinVar variation 2904767 (VCV002904767.4), dbSNP rs772378466, ClinGen allele CA376359080.